The following is an entry in ClinVar:

ClinVar aggregate classification (germline): Pathogenic (1 of 4 stars; one submission).

Conditions:
GNPTG-mucolipidosis. Also called: ML III GAMMA; ML IIIC; MUCOLIPIDOSIS III, COMPLEMENTATION GROUP C; MUCOLIPIDOSIS III, IRANIAN VARIANT FORM; MUCOLIPIDOSIS III, VARIANT FORM; Mucolipidosis type III gamma. Identifiers: Orphanet 423470, Orphanet 577, MedGen C1854896, MONDO:0009652, OMIM 252605.

Submission:

Myriad Genetics, Inc.
Classification: Pathogenic for GNPTG-mucolipidosis. Last evaluated: 2024-01-22. Review status: criteria provided, single submitter. Criteria: Myriad Autosomal Dominant, Autosomal Recessive and X-Linked Classification Criteria (2023). Collection method: clinical testing. Allele origin: unknown.
Comment: NM_032520.4(GNPTG):c.654C>G(Y218*) is expected to be pathogenic in the context of mucolipidosis III gamma. This variant is predicted to lead to an abnormal or absent protein product due to the creation of a premature termination codon in GNPTG, a gene where loss-of-function variants are known to be pathogenic. Please note: this variant was assessed in the context of healthy population screening.

NM_032520.5(GNPTG):c.654C>G (p.Tyr218Ter)

Gene: GNPTG (N-acetylglucosamine-1-phosphate transferase subunit gamma; plus strand). Cytogenetic location: 16p13.3.
Variant type: single nucleotide variant.
Coding change: c.654C>G on transcript NM_032520.5 (MANE Select); coding-DNA position 654, C replaced by G.
Protein change: p.Tyr218Ter; replaces tyrosine 218 with a stop codon.
Molecular consequence: nonsense.
Genome position (GRCh38, 1-based): chr16:1,362,655, C>G. VCF-style: chr16-1362655-C-G. GRCh37 (hg19) VCF-style: chr16-1412656-C-G.
Other names: short protein forms Y218*.
Identifiers: ClinVar variation 5012667 (VCV005012667.1).
Genomic context (GRCh38, chr16:1,362,655, plus strand): 5'-CATCCTCCACCTTCAGGGCCATGAGAAGTTGCTGAGGACACTTTTTGAGGATGCTGGCTA[C>G]TTAAAGACCCCAGAAGAAAATGAACCCACCCAGCTGGAGGGAGGTCCTGACAGCTTGGGG-3'